The following is an entry in ClinVar:

NM_004329.3(BMPR1A):c.846A>G (p.Leu282=)

Gene: BMPR1A (bone morphogenetic protein receptor type 1A; plus strand). Cytogenetic location: 10q23.2.
Variant type: single nucleotide variant.
Coding change: c.846A>G on transcript NM_004329.3 (MANE Select); coding-DNA position 846, A replaced by G.
Protein change: p.Leu282=; no amino-acid change (leucine 282 retained).
Molecular consequence: synonymous variant.
Genome position (GRCh38, 1-based): chr10:86,917,304, A>G. VCF-style: chr10-86917304-A-G. GRCh37 (hg19) VCF-style: chr10-88677061-A-G.
Identifiers: ClinVar variation 919299 (VCV000919299.13), dbSNP rs1843588559, ClinGen allele CA470308103.

ClinVar aggregate classification (germline): Benign/Likely benign. Review status: criteria provided, multiple submitters, no conflicts (2 of 4 stars). 4 submissions from 4 submitters: Benign (1); Likely benign (3). Last evaluated 2026-05-03.

Conditions:
Juvenile polyposis syndrome (JPS). Identifiers: Orphanet 2929, MedGen C0345893, MONDO:0017380, OMIM 174900.
Hereditary cancer-predisposing syndrome. Also called: Hereditary Cancer Syndrome; Neoplastic Syndromes, Hereditary; Tumor predisposition; Hereditary neoplastic syndrome. Identifiers: Orphanet 140162, MedGen C0027672, MeSH D009386, MONDO:0015356.

Allele frequency attached by ClinVar (database versions not stated): gnomAD exomes below 0.00001.
gnomAD v4.1: 2 of 1,614,152 alleles (0.00012%); highest among the groups gnomAD compares: Admixed American, 0.0033%; no homozygotes.

Submissions (4):

Ambry Genetics
Classification: Likely benign for Hereditary cancer-predisposing syndrome. Last evaluated: 2026-05-03. Review status: criteria provided, single submitter. Criteria: Ambry Variant Classification Scheme 2023. Collection method: clinical testing. Allele origin: germline.

Labcorp Genetics (formerly Invitae), Labcorp
Classification: Likely benign for Juvenile polyposis syndrome. Last evaluated: 2024-11-13. Review status: criteria provided, single submitter. Criteria: Invitae Variant Classification Sherloc (09022015). Collection method: clinical testing. Allele origin: germline.

Myriad Genetics, Inc.
Classification: Benign for Juvenile polyposis syndrome. Last evaluated: 2024-08-05. Review status: criteria provided, single submitter. Criteria: Myriad Autosomal Dominant, Autosomal Recessive and X-Linked Classification Criteria (2023). Collection method: clinical testing. Allele origin: unknown.
Comment: This variant is considered benign. This variant is a silent/synonymous amino acid change and it is not expected to impact splicing.

Color Diagnostics, LLC DBA Color Health
Classification: Likely benign for Hereditary cancer-predisposing syndrome. Last evaluated: 2019-10-11. Review status: criteria provided, single submitter. Criteria: ACMG Guidelines, 2015. Collection method: clinical testing. Allele origin: germline.